The following is an entry in ClinVar:

ClinVar aggregate classification (germline): Benign (0 of 4 stars; one submission).

Conditions:
ZNF142-related disorder. Also called: ZNF142-related condition.

Allele frequency attached by ClinVar (database versions not stated): 1000 Genomes Project 30x 0.01374; gnomAD 0.00282; gnomAD exomes 0.00317; 1000 Genomes Project 0.01438; TOPMed 0.00276; ExAC 0.00464.
gnomAD v4.1: 1,409 of 453,512 alleles (0.31%); highest among the groups gnomAD compares: East Asian, 6.9%; 53 homozygotes.

Submission:

PreventionGenetics, part of Exact Sciences
Classification: Benign for ZNF142-related condition. Last evaluated: 2024-05-22. Review status: no assertion criteria provided. Collection method: clinical testing. Allele origin: germline.
Comment: This variant is classified as benign based on ACMG/AMP sequence variant interpretation guidelines (Richards et al. 2015 PMID: 25741868, with internal and published modifications).

NM_001379659.1(ZNF142):c.420T>C (p.Ser140=)

Gene: ZNF142 (zinc finger protein 142; minus strand). Cytogenetic location: 2q35.
Variant type: single nucleotide variant.
Coding change: c.420T>C on transcript NM_001379659.1 (MANE Select); coding-DNA position 420, T replaced by C.
Protein change: p.Ser140=; no amino-acid change (serine 140 retained).
Molecular consequence: synonymous variant. On other transcripts: intron variant (6).
Genome position (GRCh38, 1-based): chr2:218,652,161, A>G on the plus strand (T>C on the coding strand, the complement: ZNF142 is on the minus strand). VCF-style: chr2-218652161-A-G. GRCh37 (hg19) VCF-style: chr2-219516884-A-G.
Other names: c.420T>C, p.Ser140= (NM_001366290.3, NM_001379660.1, NM_001379661.1); c.281-1635T>C (NM_001379662.1, NM_001105537.4, NM_001366291.2); c.-331-339T>C (NM_001366289.2, NM_001366288.2, NM_001366287.2).
Identifiers: ClinVar variation 3059733 (VCV003059733.2), dbSNP rs147125119, ClinGen allele CA2109495.